The following is an entry in ClinVar:

NM_003738.5(PTCH2):c.2420G>A (p.Arg807His)

Gene: PTCH2 (patched 2; minus strand). Cytogenetic location: 1p34.1.
Variant type: single nucleotide variant.
Coding change: c.2420G>A on transcript NM_003738.5 (MANE Select); coding-DNA position 2420, G replaced by A.
Protein change: p.Arg807His; replaces arginine 807 with histidine.
Molecular consequence: missense variant.
Genome position (GRCh38, 1-based): chr1:44,827,261, C>T on the plus strand (G>A on the coding strand, the complement: PTCH2 is on the minus strand). VCF-style: chr1-44827261-C-T. GRCh37 (hg19) VCF-style: chr1-45292933-C-T.
Other names: c.2420G>A (NM_003738.4); c.2420G>A, p.Arg807His (NM_001166292.2); short protein forms R807H.
Identifiers: ClinVar variation 1134959 (VCV001134959.12), dbSNP rs199959462, ClinGen allele CA823007.
Genomic context (GRCh38, chr1:44,827,261, plus strand): 5'-GTCTGGATGAGCAGCTTGTAGGCCAGGGCCCCATCCTCAGAGCCATTGCGGTACGAGTGG[C>T]GGGTGATGCGCCCAGAAGCCCAGTCCTGGTCAAAGGCAGCCTGGATTCCTGGGGGAGACC-3'
Protein context (NP_003729.3, residues 797-817): DQDWASGRIT[Arg807His]HSYRNGSEDG

ClinVar aggregate classification (germline): Conflicting classifications of pathogenicity. Review status: criteria provided, conflicting classifications (1 of 4 stars). 3 submissions from 3 submitters: Uncertain significance (2); Likely benign (1). Last evaluated 2025-07-17.

Conditions:
Gorlin syndrome. Also called: Basal cell nevus syndrome; Nevoid Basal Cell Carcinoma Syndrome. Identifiers: Orphanet 377, MedGen C0004779, MONDO:0007187.
PTCH2-related disorder. Also called: PTCH2-related condition; PTCH2-related disease.

Allele frequency attached by ClinVar (database versions not stated): gnomAD exomes 0.00006 and 0.00011; ESP Exome Variant Server 0.00008; ExAC 0.00012; gnomAD 0.00031 and 0.00035; TOPMed 0.00035.

Submissions (3):

Labcorp Genetics (formerly Invitae), Labcorp
Classification: Likely benign for Gorlin syndrome. Last evaluated: 2025-07-17. Review status: criteria provided, single submitter. Criteria: Invitae Variant Classification Sherloc (09022015). Collection method: clinical testing. Allele origin: germline.

PreventionGenetics, part of Exact Sciences
Classification: Uncertain significance for PTCH2-related condition. Last evaluated: 2025-07-09. Review status: criteria provided, single submitter. Criteria: ACMG Guidelines, 2015. Collection method: clinical testing. Allele origin: germline.
Comment: The PTCH2 c.2420G>A variant is predicted to result in the amino acid substitution p.Arg807His. To our knowledge, this variant has not been reported in the literature. This variant is reported in 0.10% of alleles in individuals of African descent in gnomAD. This variant has conflicting interpretations in ClinVar ranging from uncertain to likely benign. Although we suspect that this variant may be benign, at this time, the clinical significance of this variant is uncertain due to the absence of conclusive functional and genetic evidence.

Ambry Genetics
Classification: Uncertain significance. Last evaluated: 2024-07-14. Review status: criteria provided, single submitter. Criteria: Ambry Variant Classification Scheme 2023. Collection method: clinical testing. Allele origin: germline.